The following is an entry in ClinVar:

ClinVar aggregate classification (germline): Uncertain significance. Review status: criteria provided, multiple submitters, no conflicts (2 of 4 stars). 2 submissions from 2 submitters: Uncertain significance (2). Last evaluated 2024-05-23.

Conditions:
Hereditary cancer-predisposing syndrome. Also called: Neoplastic Syndromes, Hereditary; Hereditary Cancer Syndrome; Hereditary neoplastic syndrome; Tumor predisposition. Identifiers: Orphanet 140162, MedGen C0027672, MeSH D009386, MONDO:0015356.

Submissions (2):

Labcorp Genetics (formerly Invitae), Labcorp
Classification: Uncertain significance. Last evaluated: 2024-05-23. Review status: criteria provided, single submitter. Criteria: Invitae Variant Classification Sherloc (09022015). Collection method: clinical testing. Allele origin: germline.
Comment: This sequence change replaces proline, which is neutral and non-polar, with leucine, which is neutral and non-polar, at codon 2282 of the POLE protein (p.Pro2282Leu). This variant is not present in population databases (gnomAD no frequency). This variant has not been reported in the literature in individuals affected with POLE-related conditions. ClinVar contains an entry for this variant (Variation ID: 540658). An algorithm developed to predict the effect of missense changes on protein structure and function (PolyPhen-2) suggests that this variant is likely to be tolerated. In summary, the available evidence is currently insufficient to determine the role of this variant in disease. Therefore, it has been classified as a Variant of Uncertain Significance.

Ambry Genetics
Classification: Uncertain significance for Hereditary cancer-predisposing syndrome. Last evaluated: 2023-08-29. Review status: criteria provided, single submitter. Criteria: Ambry Variant Classification Scheme 2023. Collection method: clinical testing. Allele origin: germline.
Comment: The p.P2282L variant (also known as c.6845C>T), located in coding exon 49 of the POLE gene, results from a C to T substitution at nucleotide position 6845. The proline at codon 2282 is replaced by leucine, an amino acid with similar properties. This amino acid position is conserved. In addition, this alteration is predicted to be tolerated by in silico analysis. Since supporting evidence is limited at this time, the clinical significance of this alteration remains unclear.

NM_006231.4(POLE):c.6845C>T (p.Pro2282Leu)

Gene: POLE (DNA polymerase epsilon, catalytic subunit; minus strand). Cytogenetic location: 12q24.33.
Variant type: single nucleotide variant.
Coding change: c.6845C>T on transcript NM_006231.4 (MANE Select); coding-DNA position 6845, C replaced by T.
Protein change: p.Pro2282Leu; replaces proline 2282 with leucine.
Molecular consequence: missense variant.
Genome position (GRCh38, 1-based): chr12:132,624,713, G>A on the plus strand (C>T on the coding strand, the complement: POLE is on the minus strand). VCF-style: chr12-132624713-G-A. GRCh37 (hg19) VCF-style: chr12-133201299-G-A.
Other names: short protein forms P2282L.
Identifiers: ClinVar variation 540658 (VCV000540658.13), dbSNP rs1555300711, ClinGen allele CA387365585.